The following is an entry in ClinVar:

ClinVar aggregate classification (germline): Likely benign (1 of 4 stars; one submission).

Allele frequency attached by ClinVar (database versions not stated): ExAC 0.00007; gnomAD 0.00007; TOPMed 0.00007; ESP Exome Variant Server 0.00015.
gnomAD v4.1: 36 of 1,613,660 alleles (0.0022%); highest among the groups gnomAD compares: African/African-American, 0.012%; no homozygotes.

Submission:

CeGaT Center for Human Genetics Tuebingen
Classification: Likely benign. Last evaluated: 2022-05-01. Review status: criteria provided, single submitter. Criteria: CeGaT Center For Human Genetics Tuebingen Variant Classification Criteria Version 2. Collection method: clinical testing. Allele origin: germline. Affected: yes. Observed: 1 variant allele.
Comment: KIF21B: BP4, BP7

NM_001252102.2(KIF21B):c.3447G>A (p.Ser1149=)

Gene: KIF21B (kinesin family member 21B; minus strand). Cytogenetic location: 1q32.1.
Variant type: single nucleotide variant.
Coding change: c.3447G>A on transcript NM_001252102.2 (MANE Select); coding-DNA position 3447, G replaced by A.
Protein change: p.Ser1149=; no amino-acid change (serine 1149 retained).
Molecular consequence: synonymous variant.
Genome position (GRCh38, 1-based): chr1:200,987,163, C>T on the plus strand (G>A on the coding strand, the complement: KIF21B is on the minus strand). VCF-style: chr1-200987163-C-T. GRCh37 (hg19) VCF-style: chr1-200956291-C-T.
Other names: c.3447G>A, p.Ser1149= (NM_001252100.2, NM_001252103.2, NM_017596.4).
Identifiers: ClinVar variation 2639732 (VCV002639732.24), dbSNP rs367975021, ClinGen allele CA1320667.
Genomic context (GRCh38, chr1:200,987,163, plus strand): 5'-GGCCAGGGACTTGGTGATGTTCTTGGTGGAGATATCCAGTGGGGGGCCCAGGCACTCAGC[C>T]GACACAGCTTTCATTTGGGCAGACAGTTTGGGCTCGCTCTGGGAAAAGAAGAACAGGGTG-3'
Protein context (NP_001239031.1, residues 1139-1159): PKLSAQMKAV[Ser1149=]AECLGPPLDI